The following is an entry in ClinVar:

ClinVar aggregate classification (germline): Uncertain significance (1 of 4 stars; one submission).

Conditions:
Developmental and epileptic encephalopathy, 68. Also called: EPILEPTIC ENCEPHALOPATHY, EARLY INFANTILE, 68. Identifiers: MedGen C4748688, MONDO:0032598, OMIM 618201.

Submission:

Juno Genomics, Hangzhou Juno Genomics, Inc
Classification: Uncertain significance for Developmental and epileptic encephalopathy, 68. Review status: criteria provided, single submitter. Criteria: ACMG Guidelines, 2015. Collection method: clinical testing. Allele origin: germline.
Comment: Null variant in a gene where loss of function (LOF) is a known mechanism of disease.;Absent from controls (or at extremely low frequency if recessive) in Genome Aggregation Database.

NM_001042646.3(TRAK1):c.166_170del (p.Leu56fs)

Gene: TRAK1 (trafficking kinesin protein 1; plus strand). Cytogenetic location: 3p22.1.
Variant type: Deletion.
Coding change: c.166_170del on transcript NM_001042646.3 (MANE Select); coding-DNA positions 166 to 170, 5 bases deleted (TTAAG; older notation c.166_170delTTAAG).
Protein change: p.Leu56fs; shifts the reading frame from leucine 56.
Molecular consequence: frameshift variant. On other transcripts: 5 prime UTR variant (1), non-coding transcript variant (1).
Genome position (GRCh38, 1-based): chr3:42,125,494-42,125,498, TTAAG deleted; deleting any 5 consecutive bases within chr3:42,125,490-42,125,498 gives the same sequence; the c. name uses the placement nearest the transcript's 3' end. VCF-style (leftmost placement, unchanged base first): chr3-42125489-ATAAGT-A. GRCh37 (hg19) VCF-style: chr3-42166981-ATAAGT-A.
Other names: c.166_170del, p.Leu56fs (NM_001265608.2, NM_001349246.2, NM_001349247.2); c.-147_-143del (NM_001349245.1); short protein forms L56fs.
Identifiers: ClinVar variation 5006616 (VCV005006616.2).